The following is an entry in ClinVar:

ClinVar aggregate classification (germline): Likely pathogenic (1 of 4 stars; one submission).

Conditions:
Dilated cardiomyopathy 1G (CMD1G). Identifiers: Orphanet 154, MedGen C1858763, MONDO:0011400, OMIM 604145.
Autosomal recessive limb-girdle muscular dystrophy type 2J (LGMDR10). Also called: MUSCULAR DYSTROPHY, LIMB-GIRDLE, AUTOSOMAL RECESSIVE 10; Limb-girdle muscular dystrophy, type 2J. Identifiers: Orphanet 140922, MedGen C1837342, MONDO:0012127, OMIM 608807.

Submission:

Labcorp Genetics (formerly Invitae), Labcorp
Classification: Likely pathogenic for Dilated cardiomyopathy 1G; Autosomal recessive limb-girdle muscular dystrophy type 2J. Last evaluated: 2023-04-22. Review status: criteria provided, single submitter. Criteria: Invitae Variant Classification Sherloc (09022015). Collection method: clinical testing. Allele origin: germline.
Comment: In summary, the currently available evidence indicates that the variant is pathogenic, but additional data are needed to prove that conclusively. Therefore, this variant has been classified as Likely Pathogenic. This variant is located in the A band of TTN (PMID: 25589632). Truncating variants in this region are significantly overrepresented in patients affected with dilated cardiomyopathy (PMID: 25589632). Truncating variants in this region have also been reported in individuals affected with autosomal recessive centronuclear myopathy (PMID: 23975875). This variant has not been reported in the literature in individuals affected with TTN-related conditions. This variant is not present in population databases (gnomAD no frequency). This sequence change creates a premature translational stop signal (p.Pro27076Leufs*4) in the TTN gene. While this is not anticipated to result in nonsense mediated decay, it is expected to create a truncated TTN protein.

Literature cited by the submitters: PubMed 25589632; PubMed 23975875.

NM_001267550.2(TTN):c.81227_81233del (p.Pro27076fs)

Genes: TTN-AS1 (TTN antisense RNA 1; plus strand), TTN (titin; minus strand). Cytogenetic location: 2q31.2.
Variant type: Deletion.
Coding change: c.81227_81233del on transcript NM_001267550.2 (MANE Select); coding-DNA positions 81227 to 81233, 7 bases deleted (CTGGAAC; older notation c.81227_81233delCTGGAAC).
Protein change: p.Pro27076fs; shifts the reading frame from proline 27076.
Molecular consequence: frameshift variant.
Genome position (GRCh38, 1-based): chr2:178,564,899-178,564,905, GTTCCAG deleted on the plus strand (CTGGAAC on the coding strand, the reverse complement: TTN is on the minus strand); deleting any 7 consecutive bases within chr2:178,564,899-178,564,907 gives the same sequence; the c. name uses the placement nearest the transcript's 3' end. VCF-style (leftmost placement, unchanged base first): chr2-178564898-AGTTCCAG-A. GRCh37 (hg19) VCF-style: chr2-179429625-AGTTCCAG-A.
Other names: c.54608_54614del, p.Pro18203fs (NM_133437.4); c.54032_54038del, p.Pro18011fs (NM_003319.4); c.73523_73529del, p.Pro24508fs (NM_133378.4); c.54407_54413del, p.Pro18136fs (NM_133432.3); c.76304_76310del, p.Pro25435fs (NM_001256850.1); short protein forms P25435fs, P27076fs, P18011fs, P24508fs, P18203fs, P18136fs.
Identifiers: ClinVar variation 2942290 (VCV002942290.3), dbSNP rs2468224825, ClinGen allele CA2740095915.